The following is an entry in ClinVar:

NM_017752.3(TBC1D8B):c.3051T>C (p.Ala1017=)

Gene: TBC1D8B (TBC1 domain family member 8B; plus strand). Cytogenetic location: Xq22.3.
Variant type: single nucleotide variant.
Coding change: c.3051T>C on transcript NM_017752.3 (MANE Select); coding-DNA position 3051, T replaced by C.
Protein change: p.Ala1017=; no amino-acid change (alanine 1017 retained).
Molecular consequence: synonymous variant.
Genome position (GRCh38, 1-based): chrX:106,873,653, T>C. VCF-style: chrX-106873653-T-C. GRCh37 (hg19) VCF-style: chrX-106116883-T-C.
Other names: c.3051T>C (NM_017752.2).
Identifiers: ClinVar variation 2048399 (VCV002048399.7), dbSNP rs140391999, ClinGen allele CA10483493.

ClinVar aggregate classification (germline): Benign/Likely benign. Review status: criteria provided, multiple submitters, no conflicts (2 of 4 stars). 3 submissions from 3 submitters: Benign (1); Likely benign (1). 1 of the submissions does not count toward it. Last evaluated 2025-11-28.

Conditions:
TBC1D8B-related disorder. Also called: TBC1D8B-related condition.

Allele frequency attached by ClinVar (database versions not stated): 1000 Genomes Project 0.00106; 1000 Genomes Project 30x 0.00125; ExAC 0.00149; ESP Exome Variant Server 0.00151; gnomAD 0.00164; TOPMed 0.00166; gnomAD exomes 0.00199.
gnomAD v4.1: 2,359 of 1,210,044 alleles (0.19%); highest among the groups gnomAD compares: Admixed American, 0.26%; 4 homozygotes.

Submissions (3):

Labcorp Genetics (formerly Invitae), Labcorp
Classification: Benign. Last evaluated: 2025-11-28. Review status: criteria provided, single submitter. Criteria: Invitae Variant Classification Sherloc (09022015). Collection method: clinical testing. Allele origin: germline.

Blueprint Genetics
Classification: Likely benign. Last evaluated: 2024-11-28. Review status: criteria provided, single submitter. Criteria: ACMG Guidelines, 2015. Collection method: clinical testing. Allele origin: germline.

PreventionGenetics, part of Exact Sciences
Classification: Likely benign for TBC1D8B-related condition. Last evaluated: 2021-04-06. Review status: no assertion criteria provided. Collection method: clinical testing. Allele origin: germline. Not counted in ClinVar's aggregate classification.
Comment: This variant is classified as likely benign based on ACMG/AMP sequence variant interpretation guidelines (Richards et al. 2015 PMID: 25741868, with internal and published modifications).